The following is an entry in ClinVar:

ClinVar aggregate classification (germline): Likely pathogenic (1 of 4 stars; one submission).

Conditions:
Hyperornithinemia-hyperammonemia-homocitrullinuria syndrome (HHHS). Also called: HHH SYNDROME; Ornithine translocase deficiency. Identifiers: Orphanet 415, MedGen C0268540, MONDO:0009393, OMIM 238970.

Submission:

Natera, Inc.
Classification: Likely pathogenic for Hyperornithinemia-hyperammonemia-homocitrullinuria syndrome. Last evaluated: 2025-12-19. Review status: criteria provided, single submitter. Criteria: Natera Variant Classification Schema (03/2026). Collection method: clinical testing. Allele origin: germline.
Comment: The c.80G>A variant in SLC25A15 is a missense variant predicted to cause substitution of glycine to glutamic acid at amino acid 27. This variant is rare in the general population with a frequency below the threshold expected for the associated phenotype(s). This variant has been observed in one or more individuals affected with the associated recessive disease, as either homozygous or compound heterozygous with a second variant (PMID: 10805333). A different variant at the same position has been determined to be Pathogenic or Likely Pathogenic. Computational prediction algorithms indicate this variant is likely to affect gene or protein function. Given the available evidence, this variant is classified as Likely Pathogenic.

Literature cited by the submitters: PubMed 10805333.

NM_014252.4(SLC25A15):c.80G>A (p.Gly27Glu)

Gene: SLC25A15 (solute carrier family 25 member 15; plus strand). Cytogenetic location: 13q14.11.
Variant type: single nucleotide variant.
Coding change: c.80G>A on transcript NM_014252.4 (MANE Select); coding-DNA position 80, G replaced by A.
Protein change: p.Gly27Glu; replaces glycine 27 with glutamic acid.
Molecular consequence: missense variant. On other transcripts: non-coding transcript variant (2).
Genome position (GRCh38, 1-based): chr13:40,799,081, G>A. VCF-style: chr13-40799081-G-A. GRCh37 (hg19) VCF-style: chr13-41373217-G-A.
Other names: short protein forms G27E.
Identifiers: ClinVar variation 4815651 (VCV004815651.1).